The following is an entry in ClinVar:

ClinVar aggregate classification (germline): Uncertain significance (1 of 4 stars; one submission).

Conditions:
Cardiovascular phenotype. Identifiers: MedGen CN230736.

gnomAD v4.1: 3 of 1,613,646 alleles (0.00019%); highest among the groups gnomAD compares: South Asian, 0.0033%; no homozygotes.

Submission:

Ambry Genetics
Classification: Uncertain significance for Cardiovascular phenotype. Last evaluated: 2025-08-20. Review status: criteria provided, single submitter. Criteria: Ambry Variant Classification Scheme 2023. Collection method: clinical testing. Allele origin: germline.
Comment: The p.D193Y variant (also known as c.577G>T), located in coding exon 1 of the CHST14 gene, results from a G to T substitution at nucleotide position 577. The aspartic acid at codon 193 is replaced by tyrosine, an amino acid with highly dissimilar properties. This amino acid position is conserved. In addition, the in silico prediction for this alteration is inconclusive. Based on the available evidence, the clinical significance of this variant remains unclear.

NM_130468.4(CHST14):c.577G>T (p.Asp193Tyr)

Gene: CHST14 (carbohydrate sulfotransferase 14; plus strand). Cytogenetic location: 15q15.1.
Variant type: single nucleotide variant.
Coding change: c.577G>T on transcript NM_130468.4 (MANE Select); coding-DNA position 577, G replaced by T.
Protein change: p.Asp193Tyr; replaces aspartic acid 193 with tyrosine.
Molecular consequence: missense variant.
Genome position (GRCh38, 1-based): chr15:40,471,790, G>T. VCF-style: chr15-40471790-G-T. GRCh37 (hg19) VCF-style: chr15-40763989-G-T.
Other names: short protein forms D193Y.
Identifiers: ClinVar variation 4228583 (VCV004228583.1).